The following is an entry in ClinVar:

NM_003000.3(SDHB):c.685_686insCGCTTCACAGAGG (p.Glu229fs)

Gene: SDHB (succinate dehydrogenase complex iron sulfur subunit B; minus strand). Cytogenetic location: 1p36.13.
Variant type: Insertion.
Coding change: c.685_686insCGCTTCACAGAGG on transcript NM_003000.3 (MANE Select); coding-DNA positions 685 to 686, CGCTTCACAGAGG inserted.
Protein change: p.Glu229fs; shifts the reading frame from glutamic acid 229.
Molecular consequence: frameshift variant.
Genome position: GRCh38 VCF-style: chr1-17022687-T-TCCTCTGTGAAGCG. GRCh37 (hg19) VCF-style: chr1-17349182-T-TCCTCTGTGAAGCG.
Other names: short protein forms E229fs.
Identifiers: ClinVar variation 468238 (VCV000468238.7), dbSNP rs1209914140, ClinGen allele CA521037681.

ClinVar aggregate classification (germline): Pathogenic (1 of 4 stars; one submission).

Conditions:
Pheochromocytoma. Also called: MAX-Related Hereditary Paraganglioma-Pheochromocytoma Syndrome. Identifiers: Orphanet 29072, MedGen C0031511, MONDO:0008233, OMIM 171300, HP:0002666.
Pheochromocytoma/paraganglioma syndrome 4. Also called: SDHB-Related Hereditary Paraganglioma-Pheochromocytoma Syndrome (Paragangliomas 4); CAROTID BODY TUMORS AND MULTIPLE EXTRAADRENAL PHEOCHROMOCYTOMAS; PARAGANGLIOMA, FAMILIAL MALIGNANT; PARAGANGLIOMAS, HEREDITARY EXTRAADRENAL; SDHB-Related Hereditary Paraganglioma-Pheochromocytoma Syndrome; PHEOCHROMOCYTOMA, FAMILIAL EXTRAADRENAL. Identifiers: Orphanet 29072, MedGen C1861848, MONDO:0007273, OMIM 115310.
Gastrointestinal stromal tumor. Also called: Gastrointestinal stroma tumor; Gastrointestinal stromal tumor, somatic. Identifiers: Orphanet 44890, MedGen C0238198, MeSH D046152, MONDO:0011719, OMIM 606764, HP:0100723.

Submission:

Labcorp Genetics (formerly Invitae), Labcorp
Classification: Pathogenic for Gastrointestinal stromal tumor; Pheochromocytoma/paraganglioma syndrome 4; Pheochromocytoma. Last evaluated: 2020-05-11. Review status: criteria provided, single submitter. Criteria: Invitae Variant Classification Sherloc (09022015). Collection method: clinical testing. Allele origin: germline.
Comment: For these reasons, this variant has been classified as Pathogenic. A different truncation (deletion of exon 8) that lies downstream of this variant has been determined to be pathogenic (Invitae). This suggests that deletion of this region of the SDHB protein is causative of disease. This variant has been reported in an individual affected with pheochromocytoma or paraganglioma (PMID: 23072324). ClinVar contains an entry for this variant (Variation ID: 468238). This variant is not present in population databases (ExAC no frequency). This sequence change results in a premature translational stop signal in the SDHB gene (p.Glu229Alafs*31). While this is not anticipated to result in nonsense mediated decay, it is expected to disrupt the last 52 amino acids of the SDHB protein.

Literature cited by the submitters: PubMed 23072324.